The following is an entry in ClinVar:

NM_172364.5(CACNA2D4):c.3121G>A (p.Val1041Met)

Gene: CACNA2D4 (calcium voltage-gated channel auxiliary subunit alpha2delta 4; minus strand). Cytogenetic location: 12p13.33.
Variant type: single nucleotide variant.
Coding change: c.3121G>A on transcript NM_172364.5 (MANE Select); coding-DNA position 3121, G replaced by A.
Protein change: p.Val1041Met; replaces valine 1041 with methionine.
Molecular consequence: missense variant.
Genome position (GRCh38, 1-based): chr12:1,795,773, C>T on the plus strand (G>A on the coding strand, the complement: CACNA2D4 is on the minus strand). VCF-style: chr12-1795773-C-T. GRCh37 (hg19) VCF-style: chr12-1904939-C-T.
Other names: short protein forms V1041M.
Identifiers: ClinVar variation 2697393 (VCV002697393.3), dbSNP rs2497681545, ClinGen allele CA383348387.
Genomic context (GRCh38, chr12:1,795,773, plus strand): 5'-AGTCACAGGTGGGGTCTGTCACCAGGAGGAGGAGGTTACTGTTGGGAATCTGCTGCACCA[C>T]AAATACCCTGCAGCAAAGAAAGGGAGTCGAGGATGGCTCCGTGGCGACCACGAGAAGGGC-3'
Protein context (NP_758952.4, residues 1031-1051): VECGPCQKVF[Val1041Met]VQQIPNSNLL

ClinVar aggregate classification (germline): Uncertain significance (1 of 4 stars; one submission).

Allele frequency attached by ClinVar (database versions not stated): gnomAD exomes below 0.00001.
gnomAD v4.1: 1 of 1,604,066 alleles (0.000062%); highest among the groups gnomAD compares: Non-Finnish European, 0.000085%; no homozygotes.

Submission:

Labcorp Genetics (formerly Invitae), Labcorp
Classification: Uncertain significance. Last evaluated: 2023-11-19. Review status: criteria provided, single submitter. Criteria: Invitae Variant Classification Sherloc (09022015). Collection method: clinical testing. Allele origin: germline.
Comment: This sequence change replaces valine, which is neutral and non-polar, with methionine, which is neutral and non-polar, at codon 1041 of the CACNA2D4 protein (p.Val1041Met). This variant is not present in population databases (gnomAD no frequency). This variant has not been reported in the literature in individuals affected with CACNA2D4-related conditions. An algorithm developed to predict the effect of missense changes on protein structure and function (PolyPhen-2) suggests that this variant is likely to be tolerated. In summary, the available evidence is currently insufficient to determine the role of this variant in disease. Therefore, it has been classified as a Variant of Uncertain Significance.